The following is an entry in ClinVar:

NM_000089.4(COL1A2):c.2960T>C (p.Val987Ala)

Gene: COL1A2 (collagen type I alpha 2 chain; plus strand). Cytogenetic location: 7q21.3.
Variant type: single nucleotide variant.
Coding change: c.2960T>C on transcript NM_000089.4 (MANE Select); coding-DNA position 2960, T replaced by C.
Protein change: p.Val987Ala; replaces valine 987 with alanine.
Molecular consequence: missense variant.
Genome position (GRCh38, 1-based): chr7:94,426,014, T>C. VCF-style: chr7-94426014-T-C. GRCh37 (hg19) VCF-style: chr7-94055326-T-C.
Other names: short protein forms V987A.
Identifiers: ClinVar variation 664711 (VCV000664711.10), dbSNP rs1584330105, ClinGen allele CA368224977.

ClinVar aggregate classification (germline): Uncertain significance (1 of 4 stars; one submission).

Conditions:
Osteogenesis imperfecta type I (OI1). Also called: OI, TYPE I; OSTEOGENESIS IMPERFECTA TARDA; OSTEOGENESIS IMPERFECTA WITH BLUE SCLERAE; Osteogenesis imperfecta type 1; Classic Non-deforming Osteogenesis Imperfecta with Blue Sclerae; Lobstein's Disease. Identifiers: Orphanet 216796, Orphanet 666, MedGen C0023931, MONDO:0008146, OMIM 166200. Disease mechanism: loss of function.
Ehlers-Danlos syndrome, classic type, 1 (EDSCL1). Also called: EDS I; EHLERS-DANLOS SYNDROME, GRAVIS TYPE; EHLERS-DANLOS SYNDROME, SEVERE CLASSIC TYPE; Ehlers-Danlos Syndrome, Classic Type, COL5A1-Related; Ehlers-Danlos syndrome, type 1. Identifiers: MedGen C0268335, MONDO:0019567, OMIM 130000.

Allele frequency attached by ClinVar (database versions not stated): gnomAD exomes below 0.00001.
gnomAD v4.1: 2 of 1,614,166 alleles (0.00012%); highest among the groups gnomAD compares: Non-Finnish European, 0.00017%; no homozygotes.

Submission:

Labcorp Genetics (formerly Invitae), Labcorp
Classification: Uncertain significance for Osteogenesis imperfecta type I; Ehlers-Danlos syndrome, classic type, 1. Last evaluated: 2018-10-10. Review status: criteria provided, single submitter. Criteria: Invitae Variant Classification Sherloc (09022015). Collection method: clinical testing. Allele origin: germline.
Comment: In summary, the available evidence is currently insufficient to determine the role of this variant in disease. Therefore, it has been classified as a Variant of Uncertain Significance. Algorithms developed to predict the effect of missense changes on protein structure and function are either unavailable or do not agree on the potential impact of this missense change (SIFT: "Tolerated"; PolyPhen-2: "Not Available"; Align-GVGD: "Class C0"). This variant has not been reported in the literature in individuals with COL1A2-related disease. This variant is not present in population databases (ExAC no frequency). This sequence change replaces valine with alanine at codon 987 of the COL1A2 protein (p.Val987Ala). The valine residue is moderately conserved and there is a small physicochemical difference between valine and alanine.